The following is an entry in ClinVar:

NM_000541.5(SAG):c.437C>T (p.Ser146Phe)

Gene: SAG (S-antigen visual arrestin; plus strand). Cytogenetic location: 2q37.1.
Variant type: single nucleotide variant.
Coding change: c.437C>T on transcript NM_000541.5 (MANE Select); coding-DNA position 437, C replaced by T.
Protein change: p.Ser146Phe; replaces serine 146 with phenylalanine.
Molecular consequence: missense variant.
Genome position (GRCh38, 1-based): chr2:233,327,122, C>T. VCF-style: chr2-233327122-C-T. GRCh37 (hg19) VCF-style: chr2-234235768-C-T.
Other names: short protein forms S146F.
Identifiers: ClinVar variation 867196 (VCV000867196.10), dbSNP rs892677896, ClinGen allele CA67547204.
Genomic context (GRCh38, chr2:233,327,122, plus strand): 5'-GCCCGGCACCCAGGGAGGGAGTCGCTGATCGCTGCCTGTCTGCTCTCTCTCCCCAACAGT[C>T]CTGTGGGGTTGACTTTGAGGTCAAAGCATTCGCCACAGACAGCACCGATGCCGAAGAGGA-3'
Protein context (NP_000532.2, residues 136-156): LQPAPQDSGK[Ser146Phe]CGVDFEVKAF

ClinVar aggregate classification (germline): Uncertain significance. Review status: criteria provided, multiple submitters, no conflicts (2 of 4 stars). 3 submissions from 3 submitters: Uncertain significance (3). Last evaluated 2025-09-18.

Conditions:
Inborn genetic diseases. Identifiers: MedGen C0950123, MeSH D030342.

Allele frequency attached by ClinVar (database versions not stated): gnomAD exomes below 0.00001; gnomAD 0.00001; TOPMed 0.00001.
gnomAD v4.1: 6 of 1,613,302 alleles (0.00037%); highest among the groups gnomAD compares: Admixed American, 0.0017%; no homozygotes.

Submissions (3):

Labcorp Genetics (formerly Invitae), Labcorp
Classification: Uncertain significance. Last evaluated: 2025-09-18. Review status: criteria provided, single submitter. Criteria: Invitae Variant Classification Sherloc (09022015). Collection method: clinical testing. Allele origin: germline.
Comment: This sequence change replaces serine, which is neutral and polar, with phenylalanine, which is neutral and non-polar, at codon 146 of the SAG protein (p.Ser146Phe). This variant is present in population databases (no rsID available, gnomAD 0.003%). This variant has not been reported in the literature in individuals affected with SAG-related conditions. ClinVar contains an entry for this variant (Variation ID: 867196). An algorithm developed to predict the effect of missense changes on protein structure and function (PolyPhen-2) suggests that this variant is likely to be disruptive. In summary, the available evidence is currently insufficient to determine the role of this variant in disease. Therefore, it has been classified as a Variant of Uncertain Significance.

Ambry Genetics
Classification: Uncertain significance for Inborn genetic diseases. Last evaluated: 2024-07-10. Review status: criteria provided, single submitter. Criteria: Ambry Variant Classification Scheme 2023. Collection method: clinical testing. Allele origin: germline.

Blueprint Genetics
Classification: Uncertain significance. Last evaluated: 2019-07-18. Review status: criteria provided, single submitter. Criteria: ACMG Guidelines, 2015. Collection method: clinical testing. Allele origin: germline.